The following is an entry in ClinVar:

NM_001845.6(COL4A1):c.2940C>A (p.Asp980Glu)

Gene: COL4A1 (collagen type IV alpha 1 chain; minus strand). Cytogenetic location: 13q34.
Variant type: single nucleotide variant.
Coding change: c.2940C>A on transcript NM_001845.6 (MANE Select); coding-DNA position 2940, C replaced by A.
Protein change: p.Asp980Glu; replaces aspartic acid 980 with glutamic acid.
Molecular consequence: missense variant.
Genome position (GRCh38, 1-based): chr13:110,176,654, G>T on the plus strand (C>A on the coding strand, the complement: COL4A1 is on the minus strand). VCF-style: chr13-110176654-G-T. GRCh37 (hg19) VCF-style: chr13-110829001-G-T.
Other names: short protein forms D980E.
Identifiers: ClinVar variation 2133883 (VCV002133883.4), dbSNP rs568279107, ClinGen allele CA388666215.

ClinVar aggregate classification (germline): Uncertain significance (1 of 4 stars; one submission).

Submission:

Labcorp Genetics (formerly Invitae), Labcorp
Classification: Uncertain significance. Last evaluated: 2022-08-21. Review status: criteria provided, single submitter. Criteria: Invitae Variant Classification Sherloc (09022015). Collection method: clinical testing. Allele origin: germline.
Comment: Advanced modeling of protein sequence and biophysical properties (such as structural, functional, and spatial information, amino acid conservation, physicochemical variation, residue mobility, and thermodynamic stability) performed at Invitae indicates that this missense variant is not expected to disrupt COL4A1 protein function. In summary, the available evidence is currently insufficient to determine the role of this variant in disease. Therefore, it has been classified as a Variant of Uncertain Significance. This variant has not been reported in the literature in individuals affected with COL4A1-related conditions. This variant is not present in population databases (gnomAD no frequency). This sequence change replaces aspartic acid, which is acidic and polar, with glutamic acid, which is acidic and polar, at codon 980 of the COL4A1 protein (p.Asp980Glu).